The following is an entry in ClinVar:

NM_004517.4(ILK):c.729-3T>C

Genes: ILK (integrin linked kinase; plus strand), TAF10 (TATA-box binding protein associated factor 10; minus strand). Cytogenetic location: 11p15.4.
Variant type: single nucleotide variant.
Coding change: c.729-3T>C on transcript NM_004517.4 (MANE Select); 3 bases into the intron before coding-DNA position 729, T replaced by C.
Molecular consequence: intron variant. On other transcripts: 3 prime UTR variant (1).
Genome position (GRCh38, 1-based): chr11:6,609,509, T>C. VCF-style: chr11-6609509-T-C. GRCh37 (hg19) VCF-style: chr11-6630740-T-C.
Other names: c.*1413A>G (NM_006284.4); c.729-3T>C (NM_001014795.3, NM_001014794.3); c.546-3T>C (NM_001278441.2); c.327-3T>C (NM_001278442.2).
Identifiers: ClinVar variation 2719448 (VCV002719448.3), dbSNP rs754346510, ClinGen allele CA5858179.

ClinVar aggregate classification (germline): Uncertain significance (1 of 4 stars; one submission).

Conditions:
Primary familial hypertrophic cardiomyopathy (HCM). Identifiers: Orphanet 99739, MedGen C0949658, MeSH D024741, MONDO:0024573. Inheritance: Various modes of inheritance.

Allele frequency attached by ClinVar (database versions not stated): TOPMed 0.00001; gnomAD 0.00002; gnomAD exomes 0.00002; ExAC 0.00003.
gnomAD v4.1: 31 of 1,613,990 alleles (0.0019%); highest among the groups gnomAD compares: Non-Finnish European, 0.0025%; no homozygotes.

Submission:

Labcorp Genetics (formerly Invitae), Labcorp
Classification: Uncertain significance for Primary familial hypertrophic cardiomyopathy. Last evaluated: 2025-09-22. Review status: criteria provided, single submitter. Criteria: Invitae Variant Classification Sherloc (09022015). Collection method: clinical testing. Allele origin: germline.
Comment: This sequence change falls in intron 8 of the ILK gene. It does not directly change the encoded amino acid sequence of the ILK protein. It affects a nucleotide within the consensus splice site. This variant is present in population databases (rs754346510, gnomAD 0.009%). This variant has not been reported in the literature in individuals affected with ILK-related conditions. ClinVar contains an entry for this variant (Variation ID: 2719448). Variants that disrupt the consensus splice site are a relatively common cause of aberrant splicing (PMID: 17576681, 9536098). Algorithms developed to predict the effect of sequence changes on RNA splicing suggest that this variant is not likely to affect RNA splicing. In summary, the available evidence is currently insufficient to determine the role of this variant in disease. Therefore, it has been classified as a Variant of Uncertain Significance.

Literature cited by the submitters: PubMed 17576681; PubMed 9536098.